The following is an entry in ClinVar:

ClinVar aggregate classification (germline): Likely benign. Review status: criteria provided, multiple submitters, no conflicts (2 of 4 stars). 3 submissions from 3 submitters: Likely benign (3). Last evaluated 2023-12-08.

Allele frequency attached by ClinVar (database versions not stated): gnomAD exomes below 0.00001; gnomAD 0.00001.
gnomAD v4.1: 4 of 1,614,102 alleles (0.00025%); highest among the groups gnomAD compares: Middle Eastern, 0.066%; no homozygotes.

Submissions (3):

Blueprint Genetics
Classification: Likely benign. Last evaluated: 2023-12-08. Review status: criteria provided, single submitter. Criteria: ACMG Guidelines, 2015. Collection method: clinical testing. Allele origin: germline.

Labcorp Genetics (formerly Invitae), Labcorp
Classification: Likely benign. Last evaluated: 2023-08-06. Review status: criteria provided, single submitter. Criteria: Invitae Variant Classification Sherloc (09022015). Collection method: clinical testing. Allele origin: germline.

GeneDx
Classification: Likely benign. Last evaluated: 2016-05-03. Review status: criteria provided, single submitter. Criteria: GeneDx Variant Classification (06012015). Collection method: clinical testing. Allele origin: germline. Affected: yes.
Comment: This variant is considered likely benign or benign based on one or more of the following criteria: it is a conservative change, it occurs at a poorly conserved position in the protein, it is predicted to be benign by multiple in silico algorithms, and/or has population frequency not consistent with disease.

NM_007103.4(NDUFV1):c.701-8C>T

Gene: NDUFV1 (NADH:ubiquinone oxidoreductase core subunit V1; plus strand). Cytogenetic location: 11q13.2.
Variant type: single nucleotide variant.
Coding change: c.701-8C>T on transcript NM_007103.4 (MANE Select); 8 bases into the intron before coding-DNA position 701, C replaced by T.
Molecular consequence: intron variant.
Genome position (GRCh38, 1-based): chr11:67,610,987, C>T. VCF-style: chr11-67610987-C-T. GRCh37 (hg19) VCF-style: chr11-67378458-C-T.
Other names: c.674-8C>T (NM_001166102.2).
Identifiers: ClinVar variation 385401 (VCV000385401.5), dbSNP rs1057522213, ClinGen allele CA16606008.